The following is an entry in ClinVar:

NM_003680.4(YARS1):c.746_748del (p.Phe249del)

Genes: YARS1 (tyrosyl-tRNA synthetase 1; minus strand), LOC126805688 (BRD4-independent group 4 enhancer GRCh37_chr1:33251929-33253128; plus strand). Cytogenetic location: 1p35.1.
Variant type: Deletion.
Coding change: c.746_748del on transcript NM_003680.4 (MANE Select); coding-DNA positions 746 to 748, 3 bases deleted (TCT; older notation c.746_748delTCT).
Protein change: p.Phe249del; deletes phenylalanine 249.
Molecular consequence: inframe deletion.
Genome position (GRCh38, 1-based): chr1:32,787,012-32,787,014, AGA deleted on the plus strand (TCT on the coding strand, the reverse complement: YARS1 is on the minus strand); deleting any 3 consecutive bases within chr1:32,787,012-32,787,016 gives the same sequence; the c. name uses the placement nearest the transcript's 3' end. VCF-style (leftmost placement, unchanged base first): chr1-32787011-CAGA-C. GRCh37 (hg19) VCF-style: chr1-33252612-CAGA-C.
Other names: short protein forms F249del.
Identifiers: ClinVar variation 1693091 (VCV001693091.2), dbSNP rs2148604109, ClinGen allele CA2573132255.

ClinVar aggregate classification (germline): Uncertain significance (1 of 4 stars; one submission).

Submission:

GeneDx
Classification: Uncertain significance. Last evaluated: 2021-12-22. Review status: criteria provided, single submitter. Criteria: GeneDx Variant Classification Process June 2021. Collection method: clinical testing. Allele origin: germline. Affected: yes.
Comment: Not observed at significant frequency in large population cohorts (gnomAD); In-frame deletion of 1 amino acid in a non-repeat region; In silico analysis supports a deleterious effect on protein structure/function; Has not been previously published as pathogenic or benign to our knowledge